The following is an entry in ClinVar:

ClinVar aggregate classification (germline): Uncertain significance (1 of 4 stars; one submission).

Allele frequency attached by ClinVar (database versions not stated): TOPMed below 0.00001.
gnomAD v4.1: 6 of 1,614,144 alleles (0.00037%); highest among the groups gnomAD compares: Non-Finnish European, 0.00042%; no homozygotes.

Submission:

Ambry Genetics
Classification: Uncertain significance. Last evaluated: 2024-02-26. Review status: criteria provided, single submitter. Criteria: Ambry Variant Classification Scheme 2023. Collection method: clinical testing. Allele origin: germline.
Comment: The p.A51D variant (also known as c.152C>A), located in coding exon 1 of the PALLD gene, results from a C to A substitution at nucleotide position 152. The alanine at codon 51 is replaced by aspartic acid, an amino acid with dissimilar properties. This amino acid position is conserved. In addition, this alteration is predicted to be tolerated by in silico analysis. Since supporting evidence is limited at this time, the clinical significance of this alteration remains unclear.

NM_001166108.2(PALLD):c.152C>A (p.Ala51Asp)

Gene: PALLD (palladin, cytoskeletal associated protein; plus strand). Cytogenetic location: 4q32.3.
Variant type: single nucleotide variant.
Coding change: c.152C>A on transcript NM_001166108.2 (MANE Select); coding-DNA position 152, C replaced by A.
Protein change: p.Ala51Asp; replaces alanine 51 with aspartic acid.
Molecular consequence: missense variant.
Genome position (GRCh38, 1-based): chr4:168,511,656, C>A. VCF-style: chr4-168511656-C-A. GRCh37 (hg19) VCF-style: chr4-169432807-C-A.
Other names: c.152C>A, p.Ala51Asp (NM_016081.4); short protein forms A51D.
Identifiers: ClinVar variation 1774585 (VCV001774585.2), dbSNP rs1282194996, ClinGen allele CA358724807.